The following is an entry in ClinVar:

ClinVar aggregate classification (germline): Likely benign (1 of 4 stars; one submission).

Submission:

GeneDx
Classification: Likely benign. Last evaluated: 2017-05-15. Review status: criteria provided, single submitter. Criteria: GeneDx Variant Classification (06012015). Collection method: clinical testing. Allele origin: germline. Affected: yes.
Comment: This variant is considered likely benign or benign based on one or more of the following criteria: it is a conservative change, it occurs at a poorly conserved position in the protein, it is predicted to be benign by multiple in silico algorithms, and/or has population frequency not consistent with disease.

NM_001048166.1(STIL):c.2383+11dup

Gene: STIL (STIL centriolar assembly protein; minus strand). Cytogenetic location: 1p33.
Variant type: Duplication.
Coding change: c.2383+11dup on transcript NM_001048166.1 (MANE Select); 11 bases into the intron after coding-DNA position 2383, one base duplicated (T; older notation c.2383+11dupT).
Molecular consequence: intron variant.
Genome position (GRCh38, 1-based): chr1:47,272,057, A duplicated on the plus strand (T on the coding strand, the reverse complement: STIL is on the minus strand); the first of 9 consecutive A bases (chr1:47,272,057-47,272,065); duplicating any one gives the same sequence. VCF-style (leftmost placement, unchanged base first): chr1-47272056-T-TA. GRCh37 (hg19) VCF-style: chr1-47737728-T-TA.
Other names: c.2383+11dup (NM_003035.2, NM_001282937.1, NM_001282936.1); c.2242+11dup (NM_001282939.1, NM_001282938.1); c.2383+19dupT (NM_003035.2).
Identifiers: ClinVar variation 509590 (VCV000509590.1), dbSNP rs757631449, ClinGen allele CA842186.